The following is an entry in ClinVar:

ClinVar aggregate classification (germline): Uncertain significance. Review status: criteria provided, multiple submitters, no conflicts (2 of 4 stars). 2 submissions from 2 submitters: Uncertain significance (2). Last evaluated 2026-08-06.

Conditions:
Pheochromocytoma/paraganglioma syndrome 5. Also called: Paragangliomas 5; SDHA-Related Hereditary Paraganglioma-Pheochromocytoma Syndrome. Identifiers: Orphanet 29072, MedGen C3279992, MONDO:0013602, OMIM 614165.
Mitochondrial complex II deficiency, nuclear type 1. Also called: SUCCINATE CoQ REDUCTASE DEFICIENCY. Identifiers: Orphanet 3208, MedGen C5700310, MONDO:0100294, OMIM 252011.

Submissions (2):

OLLIN Analises Genomicas, OLLIN
Classification: Uncertain significance for Pheochromocytoma/paraganglioma syndrome 5. Last evaluated: 2026-08-06. Review status: criteria provided, single submitter. Criteria: ACMG Guidelines 2015 PMID 25741868. Collection method: clinical testing. Allele origin: germline. Inheritance: Autosomal recessive inheritance.
Comment: This missense variant, located in exon 10 (of 15), is absent from gnomAD and has not been identified in the literature. However, it has been reported in ClinVar (accession VCV004782483.1). In silico analysis predicts that this variant has a deleterious effect. According to the currently available evidence, this variant has been classified as uncertain significance (PM2_P, PP3_M).

Labcorp Genetics (formerly Invitae), Labcorp
Classification: Uncertain significance for Pheochromocytoma/paraganglioma syndrome 5; Mitochondrial complex II deficiency, nuclear type 1. Last evaluated: 2026-01-26. Review status: criteria provided, single submitter. Criteria: Invitae Variant Classification Sherloc (09022015). Collection method: clinical testing. Allele origin: germline.
Comment: This sequence change replaces glycine, which is neutral and non-polar, with valine, which is neutral and non-polar, at codon 464 of the SDHA protein (p.Gly464Val). This variant is not present in population databases (gnomAD no frequency). This variant has not been reported in the literature in individuals affected with SDHA-related conditions. Invitae Evidence Modeling of protein sequence and biophysical properties (such as structural, functional, and spatial information, amino acid conservation, physicochemical variation, residue mobility, and thermodynamic stability) has been performed for this missense variant. However, the output from this modeling did not meet the statistical confidence thresholds required to predict the impact of this variant on SDHA protein function. In summary, the available evidence is currently insufficient to determine the role of this variant in disease. Therefore, it has been classified as a Variant of Uncertain Significance.

NM_004168.4(SDHA):c.1391G>T (p.Gly464Val)

Gene: SDHA (succinate dehydrogenase complex flavoprotein subunit A; plus strand). Cytogenetic location: 5p15.33.
Variant type: single nucleotide variant.
Coding change: c.1391G>T on transcript NM_004168.4 (MANE Select); coding-DNA position 1391, G replaced by T.
Protein change: p.Gly464Val; replaces glycine 464 with valine.
Molecular consequence: missense variant.
Genome position (GRCh38, 1-based): chr5:236,558, G>T. VCF-style: chr5-236558-G-T. GRCh37 (hg19) VCF-style: chr5-236673-G-T.
Other names: c.1247G>T, p.Gly416Val (NM_001294332.2); c.1391G>T, p.Gly464Val (NM_001330758.2); short protein forms G416V, G464V.
Identifiers: ClinVar variation 4782483 (VCV004782483.2).